The following is an entry in ClinVar:

ClinVar aggregate classification (germline): Uncertain significance (1 of 4 stars; one submission).

Submission:

Labcorp Genetics (formerly Invitae), Labcorp
Classification: Uncertain significance. Last evaluated: 2023-11-27. Review status: criteria provided, single submitter. Criteria: Invitae Variant Classification Sherloc (09022015). Collection method: clinical testing. Allele origin: germline.
Comment: This sequence change replaces glutamic acid, which is acidic and polar, with aspartic acid, which is acidic and polar, at codon 2134 of the ABCA4 protein (p.Glu2134Asp). This variant is not present in population databases (gnomAD no frequency). This variant has not been reported in the literature in individuals affected with ABCA4-related conditions. ClinVar contains an entry for this variant (Variation ID: 1352664). Advanced modeling of protein sequence and biophysical properties (such as structural, functional, and spatial information, amino acid conservation, physicochemical variation, residue mobility, and thermodynamic stability) performed at Invitae indicates that this missense variant is expected to disrupt ABCA4 protein function with a positive predictive value of 95%. In summary, the available evidence is currently insufficient to determine the role of this variant in disease. Therefore, it has been classified as a Variant of Uncertain Significance.

NM_000350.3(ABCA4):c.6402G>C (p.Glu2134Asp)

Gene: ABCA4 (ATP binding cassette subfamily A member 4; minus strand). Cytogenetic location: 1p22.1.
Variant type: single nucleotide variant.
Coding change: c.6402G>C on transcript NM_000350.3 (MANE Select); coding-DNA position 6402, G replaced by C.
Protein change: p.Glu2134Asp; replaces glutamic acid 2134 with aspartic acid.
Molecular consequence: missense variant.
Genome position (GRCh38, 1-based): chr1:94,000,913, C>G on the plus strand (G>C on the coding strand, the complement: ABCA4 is on the minus strand). VCF-style: chr1-94000913-C-G. GRCh37 (hg19) VCF-style: chr1-94466469-C-G.
Other names: c.6180G>C, p.Glu2060Asp (NM_001425324.1); short protein forms E2134D, E2060D.
Identifiers: ClinVar variation 1352664 (VCV001352664.6), dbSNP rs2100993738, ClinGen allele CA341277374.